The following is an entry in ClinVar:

NM_005251.3(FOXC2):c.563C>T (p.Pro188Leu)

Gene: FOXC2 (forkhead box C2; plus strand). Cytogenetic location: 16q24.1.
Variant type: single nucleotide variant.
Coding change: c.563C>T on transcript NM_005251.3 (MANE Select); coding-DNA position 563, C replaced by T.
Protein change: p.Pro188Leu; replaces proline 188 with leucine.
Molecular consequence: missense variant.
Genome position (GRCh38, 1-based): chr16:86,567,898, C>T. VCF-style: chr16-86567898-C-T. GRCh37 (hg19) VCF-style: chr16-86601504-C-T.
Other names: short protein forms P188L.
Identifiers: ClinVar variation 2636907 (VCV002636907.3), dbSNP rs751774927, ClinGen allele CA8218352.

ClinVar aggregate classification (germline): Uncertain significance. Review status: criteria provided, multiple submitters, no conflicts (2 of 4 stars). 2 submissions from 2 submitters: Uncertain significance (2). Last evaluated 2024-12-06.

Conditions:
FOXC2-related disorder. Also called: FOXC2-related condition.

Allele frequency attached by ClinVar (database versions not stated): TOPMed 0.00001; gnomAD 0.00002.

Submissions (2):

Labcorp Genetics (formerly Invitae), Labcorp
Classification: Uncertain significance. Last evaluated: 2024-12-06. Review status: criteria provided, single submitter. Criteria: Invitae Variant Classification Sherloc (09022015). Collection method: clinical testing. Allele origin: germline.
Comment: This sequence change replaces proline, which is neutral and non-polar, with leucine, which is neutral and non-polar, at codon 188 of the FOXC2 protein (p.Pro188Leu). This variant is present in population databases (rs751774927, gnomAD 0.04%). This variant has not been reported in the literature in individuals affected with FOXC2-related conditions. ClinVar contains an entry for this variant (Variation ID: 2636907). An algorithm developed to predict the effect of missense changes on protein structure and function (PolyPhen-2) suggests that this variant is likely to be tolerated. In summary, the available evidence is currently insufficient to determine the role of this variant in disease. Therefore, it has been classified as a Variant of Uncertain Significance.

PreventionGenetics, part of Exact Sciences
Classification: Uncertain significance for FOXC2-related condition. Last evaluated: 2022-11-29. Review status: criteria provided, single submitter. Criteria: ACMG Guidelines, 2015. Collection method: clinical testing. Allele origin: germline.
Comment: The FOXC2 c.563C>T variant is predicted to result in the amino acid substitution p.Pro188Leu. To our knowledge, this variant has not been reported in the literature. This variant is reported in 0.040% of alleles in individuals of South Asian descent in gnomAD. At this time, the clinical significance of this variant is uncertain due to the absence of conclusive functional and genetic evidence.